The following is an entry in ClinVar:

NM_000368.5(TSC1):c.263C>G (p.Ser88Cys)

Gene: TSC1 (TSC complex subunit 1; minus strand). Cytogenetic location: 9q34.13.
Variant type: single nucleotide variant.
Coding change: c.263C>G on transcript NM_000368.5 (MANE Select); coding-DNA position 263, C replaced by G.
Protein change: p.Ser88Cys; replaces serine 88 with cysteine.
Molecular consequence: missense variant. On other transcripts: 5 prime UTR variant (1), intron variant (1).
Genome position (GRCh38, 1-based): chr9:132,925,687, G>C on the plus strand (C>G on the coding strand, the complement: TSC1 is on the minus strand). VCF-style: chr9-132925687-G-C. GRCh37 (hg19) VCF-style: chr9-135801074-G-C.
Other names: c.263C>G, p.Ser88Cys (NM_001162426.2); c.-101C>G (NM_001362177.2); c.210+1514C>G (NM_001162427.2); short protein forms S88C.
Identifiers: ClinVar variation 661478 (VCV000661478.9), dbSNP rs1588355606, ClinGen allele CA375374669.

ClinVar aggregate classification (germline): Uncertain significance. Review status: criteria provided, multiple submitters, no conflicts (2 of 4 stars). 2 submissions from 2 submitters: Uncertain significance (2). Last evaluated 2026-03-03.

Conditions:
Tuberous sclerosis 1 (TSC1). Identifiers: Orphanet 805, MedGen C1854465, MONDO:0008612, OMIM 191100.
Hereditary cancer-predisposing syndrome. Also called: Neoplastic Syndromes, Hereditary; Hereditary neoplastic syndrome; Tumor predisposition; Hereditary Cancer Syndrome. Identifiers: Orphanet 140162, MedGen C0027672, MeSH D009386, MONDO:0015356.

Submissions (2):

Ambry Genetics
Classification: Uncertain significance for Hereditary cancer-predisposing syndrome. Last evaluated: 2026-03-03. Review status: criteria provided, single submitter. Criteria: Ambry Variant Classification Scheme 2023. Collection method: clinical testing. Allele origin: germline.
Comment: The p.S88C variant (also known as c.263C>G), located in coding exon 3 of the TSC1 gene, results from a C to G substitution at nucleotide position 263. The serine at codon 88 is replaced by cysteine, an amino acid with dissimilar properties. This amino acid position is conserved. In addition, the in silico prediction for this alteration is inconclusive. Based on the available evidence, the clinical significance of this variant remains unclear.

Labcorp Genetics (formerly Invitae), Labcorp
Classification: Uncertain significance for Tuberous sclerosis 1. Last evaluated: 2018-12-22. Review status: criteria provided, single submitter. Criteria: Invitae Variant Classification Sherloc (09022015). Collection method: clinical testing. Allele origin: germline.
Comment: Algorithms developed to predict the effect of missense changes on protein structure and function are either unavailable or do not agree on the potential impact of this missense change (SIFT: "Deleterious"; PolyPhen-2: "Possibly Damaging"; Align-GVGD: "Class C0"). In summary, the available evidence is currently insufficient to determine the role of this variant in disease. Therefore, it has been classified as a Variant of Uncertain Significance. This variant has not been reported in the literature in individuals with TSC1-related conditions. This variant is not present in population databases (ExAC no frequency). This sequence change replaces serine with cysteine at codon 88 of the TSC1 protein (p.Ser88Cys). The serine residue is weakly conserved and there is a moderate physicochemical difference between serine and cysteine.